The following is an entry in ClinVar:

NM_015338.6(ASXL1):c.1505C>T (p.Ala502Val)

Gene: ASXL1 (ASXL transcriptional regulator 1; plus strand). Cytogenetic location: 20q11.21.
Variant type: single nucleotide variant.
Coding change: c.1505C>T on transcript NM_015338.6 (MANE Select); coding-DNA position 1505, C replaced by T.
Protein change: p.Ala502Val; replaces alanine 502 with valine.
Molecular consequence: missense variant.
Genome position (GRCh38, 1-based): chr20:32,433,703, C>T. VCF-style: chr20-32433703-C-T. GRCh37 (hg19) VCF-style: chr20-31021506-C-T.
Other names: c.1322C>T, p.Ala441Val (NM_001363734.1); short protein forms A502V, A441V.
Identifiers: ClinVar variation 1494620 (VCV001494620.8), dbSNP rs772255605, ClinGen allele CA9808365.
Genomic context (GRCh38, chr20:32,433,703, plus strand): 5'-CAGTTGAGTCTGTGGCTTCTCGGATCCAGGCTGAGCCAGACAACTTGGCACGTGCCTCTG[C>T]ATCTCCAGACAGAATTCCTAGCCTGCCTCAGGAAACTGTGGATCAGGAACCCAAGGATCA-3'
Protein context (NP_056153.2, residues 492-512): AEPDNLARAS[Ala502Val]SPDRIPSLPQ

ClinVar aggregate classification (germline): Uncertain significance (1 of 4 stars; one submission).

Allele frequency attached by ClinVar (database versions not stated): gnomAD 0.00001; gnomAD exomes 0.00001 and 0.00002; TOPMed 0.00001; ExAC 0.00002.
gnomAD v4.1: 9 of 1,612,030 alleles (0.00056%); highest among the groups gnomAD compares: Admixed American, 0.0033%; no homozygotes.

Submission:

Labcorp Genetics (formerly Invitae), Labcorp
Classification: Uncertain significance. Last evaluated: 2025-10-08. Review status: criteria provided, single submitter. Criteria: Invitae Variant Classification Sherloc (09022015). Collection method: clinical testing. Allele origin: germline.
Comment: This sequence change replaces alanine, which is neutral and non-polar, with valine, which is neutral and non-polar, at codon 502 of the ASXL1 protein (p.Ala502Val). This variant is present in population databases (rs772255605, gnomAD 0.006%). This variant has not been reported in the literature in individuals affected with ASXL1-related conditions. ClinVar contains an entry for this variant (Variation ID: 1494620). An algorithm developed to predict the effect of missense changes on protein structure and function outputs the following: PolyPhen-2: "Benign". The valine amino acid residue is found in multiple mammalian species, which suggests that this missense change does not adversely affect protein function. In summary, the available evidence is currently insufficient to determine the role of this variant in disease. Therefore, it has been classified as a Variant of Uncertain Significance.